The following is an entry in ClinVar:

NM_000057.4(BLM):c.1469del (p.Pro490fs)

Gene: BLM (BLM RecQ like helicase; plus strand). Cytogenetic location: 15q26.1.
Variant type: Deletion.
Coding change: c.1469del on transcript NM_000057.4 (MANE Select); coding-DNA position 1469, one base deleted (C; older notation c.1469delC).
Protein change: p.Pro490fs; shifts the reading frame from proline 490.
Molecular consequence: frameshift variant.
Genome position (GRCh38, 1-based): chr15:90,760,842, C deleted; the last of 2 consecutive C bases (chr15:90,760,841-90,760,842); deleting either gives the same sequence. VCF-style (leftmost placement, unchanged base first): chr15-90760840-GC-G. GRCh37 (hg19) VCF-style: chr15-91304070-GC-G.
Other names: c.1469del, p.Pro490fs (NM_001287246.2, NM_001287247.2); c.344del, p.Pro115fs (NM_001287248.2); short protein forms P115fs, P490fs.
Identifiers: ClinVar variation 3223936 (VCV003223936.1), dbSNP rs2505426240, ClinGen allele CA2825002316.

ClinVar aggregate classification (germline): Pathogenic (1 of 4 stars; one submission).

Conditions:
Hereditary cancer-predisposing syndrome. Also called: Tumor predisposition; Hereditary neoplastic syndrome; Hereditary Cancer Syndrome; Neoplastic Syndromes, Hereditary. Identifiers: Orphanet 140162, MedGen C0027672, MeSH D009386, MONDO:0015356.

Submission:

Ambry Genetics
Classification: Pathogenic for Hereditary cancer-predisposing syndrome. Last evaluated: 2023-12-01. Review status: criteria provided, single submitter. Criteria: Ambry Variant Classification Scheme 2023. Collection method: clinical testing. Allele origin: germline.
Comment: The c.1469delC pathogenic mutation, located in coding exon 6 of the BLM gene, results from a deletion of one nucleotide at nucleotide position 1469, causing a translational frameshift with a predicted alternate stop codon (p.P490Lfs*12). This variant is considered to be rare based on population cohorts in the Genome Aggregation Database (gnomAD). This alteration is expected to result in loss of function by premature protein truncation or nonsense-mediated mRNA decay. As such, this alteration is interpreted as a disease-causing mutation.